The following is an entry in ClinVar:

NM_058246.4(DNAJB6):c.179A>G (p.Lys60Arg)

Gene: DNAJB6 (DnaJ heat shock protein family (Hsp40) member B6; plus strand). Cytogenetic location: 7q36.3.
Variant type: single nucleotide variant.
Coding change: c.179A>G on transcript NM_058246.4 (MANE Select); coding-DNA position 179, A replaced by G.
Protein change: p.Lys60Arg; replaces lysine 60 with arginine.
Molecular consequence: missense variant.
Genome position (GRCh38, 1-based): chr7:157,366,505, A>G. VCF-style: chr7-157366505-A-G. GRCh37 (hg19) VCF-style: chr7-157159199-A-G.
Other names: c.179A>G, p.Lys60Arg (NM_001363676.1, NM_005494.3); short protein forms K60R.
Identifiers: ClinVar variation 374048 (VCV000374048.7), dbSNP rs1057518860, ClinGen allele CA16043428.
Genomic context (GRCh38, chr7:157,366,505, plus strand): 5'-ATTGAATTAAGGGTTTAAAAGGAACTTGGCCTTACCGACTTTTCTTTCAATTTTTAGCTA[A>G]GAAACGGGACATCTATGACAAATATGGCAAAGAAGGATTAAATGGTGGAGGAGGAGGTAA-3'
Protein context (NP_490647.1, residues 50-70): AEAYEVLSDA[Lys60Arg]KRDIYDKYGK

ClinVar aggregate classification (germline): Uncertain significance. Review status: criteria provided, multiple submitters, no conflicts (2 of 4 stars). 2 submissions from 2 submitters: Uncertain significance (2). Last evaluated 2023-11-27.

Conditions:
Muscle weakness. Identifiers: MedGen C0151786, HP:0001324.
Proximal muscle weakness. Identifiers: MedGen C0221629, HP:0003701.
Autosomal dominant limb-girdle muscular dystrophy type 1D (DNAJB6) (LGMDD1). Also called: MUSCULAR DYSTROPHY, LIMB-GIRDLE, TYPE 1D; MUSCULAR DYSTROPHY, AUTOSOMAL DOMINANT, WITH RIMMED VACUOLES; Autosomal dominant limb-girdle muscular dystrophy type 1D; Muscular dystrophy, limb-girdle, autosomal dominant 1. Identifiers: Orphanet 34516, MedGen C4721885, MONDO:0021018, OMIM 603511.

Submissions (2):

Labcorp Genetics (formerly Invitae), Labcorp
Classification: Uncertain significance for Autosomal dominant limb-girdle muscular dystrophy type 1D (DNAJB6). Last evaluated: 2023-11-27. Review status: criteria provided, single submitter. Criteria: Invitae Variant Classification Sherloc (09022015). Collection method: clinical testing. Allele origin: germline.
Comment: This sequence change replaces lysine, which is basic and polar, with arginine, which is basic and polar, at codon 60 of the DNAJB6 protein (p.Lys60Arg). This variant is not present in population databases (gnomAD no frequency). This variant has not been reported in the literature in individuals affected with DNAJB6-related conditions. ClinVar contains an entry for this variant (Variation ID: 374048). Advanced modeling of protein sequence and biophysical properties (such as structural, functional, and spatial information, amino acid conservation, physicochemical variation, residue mobility, and thermodynamic stability) performed at Invitae indicates that this missense variant is not expected to disrupt DNAJB6 protein function with a negative predictive value of 80%. In summary, the available evidence is currently insufficient to determine the role of this variant in disease. Therefore, it has been classified as a Variant of Uncertain Significance.

Centre for Mendelian Genomics, University Medical Centre Ljubljana
Classification: Uncertain significance for Muscle weakness; Proximal muscle weakness. Last evaluated: 2014-09-19. Review status: criteria provided, single submitter. Criteria: ACMG Guidelines, 2015. Collection method: clinical testing. Allele origin: unknown. Affected: yes.